The following is an entry in ClinVar:

ClinVar aggregate classification (germline): Likely benign (1 of 4 stars; one submission).

Conditions:
FOXC1-related disorder. Also called: FOXC1-related condition.

Submission:

PreventionGenetics, part of Exact Sciences
Classification: Likely benign for FOXC1-related condition. Last evaluated: 2025-06-09. Review status: criteria provided, single submitter. Criteria: ACMG Guidelines, 2015. Collection method: clinical testing. Allele origin: germline.
Comment: This variant is classified as likely benign based on ACMG/AMP sequence variant interpretation guidelines (Richards et al. 2015 PMID: 25741868, with internal and published modifications).

NM_001453.3(FOXC1):c.-420C>G

Genes: FOXC1 (forkhead box C1; plus strand), LOC129995600 (ATAC-STARR-seq lymphoblastoid silent region 16824; plus strand). Cytogenetic location: 6p25.3.
Variant type: single nucleotide variant.
Coding change: c.-420C>G on transcript NM_001453.3 (MANE Select); 420 bases upstream of the start codon, C replaced by G.
Molecular consequence: 5 prime UTR variant.
Genome position (GRCh38, 1-based): chr6:1,610,026, C>G. VCF-style: chr6-1610026-C-G. GRCh37 (hg19) VCF-style: chr6-1610261-C-G.
Identifiers: ClinVar variation 4979048 (VCV004979048.1).